The following is an entry in ClinVar:

NM_032043.3(BRIP1):c.1340+14T>C

Gene: BRIP1 (BRCA1 interacting DNA helicase 1; minus strand). Cytogenetic location: 17q23.2.
Variant type: single nucleotide variant.
Coding change: c.1340+14T>C on transcript NM_032043.3 (MANE Select); 14 bases into the intron after coding-DNA position 1340, T replaced by C.
Molecular consequence: intron variant.
Genome position (GRCh38, 1-based): chr17:61,799,086, A>G on the plus strand (T>C on the coding strand, the complement: BRIP1 is on the minus strand). VCF-style: chr17-61799086-A-G. GRCh37 (hg19) VCF-style: chr17-59876447-A-G.
Identifiers: ClinVar variation 387436 (VCV000387436.12), dbSNP rs1057522789, ClinGen allele CA16608574.

ClinVar aggregate classification (germline): Likely benign. Review status: criteria provided, multiple submitters, no conflicts (2 of 4 stars). 3 submissions from 3 submitters: Likely benign (3). Last evaluated 2025-12-02.

Conditions:
Hereditary cancer-predisposing syndrome. Also called: Neoplastic Syndromes, Hereditary; Hereditary neoplastic syndrome; Tumor predisposition; Hereditary Cancer Syndrome. Identifiers: Orphanet 140162, MedGen C0027672, MeSH D009386, MONDO:0015356.
Familial cancer of breast. Also called: BREAST CANCER, FAMILIAL; hereditary breast carcinoma; Hereditary breast cancer. Identifiers: Orphanet 227535, MedGen C0346153, MONDO:0016419, OMIM 114480. Disease mechanism: loss of function.
Fanconi anemia complementation group J. Also called: BRIP1-Related Fanconi Anemia. Identifiers: Orphanet 84, MedGen C1836860, MONDO:0012187, OMIM 609054.

Allele frequency attached by ClinVar (database versions not stated): gnomAD exomes below 0.00001; TOPMed below 0.00001.
gnomAD v4.1: 5 of 1,604,198 alleles (0.00031%); highest among the groups gnomAD compares: Non-Finnish European, 0.00034%; no homozygotes.

Submissions (3):

Labcorp Genetics (formerly Invitae), Labcorp
Classification: Likely benign for Familial cancer of breast; Fanconi anemia complementation group J. Last evaluated: 2025-12-02. Review status: criteria provided, single submitter. Criteria: Invitae Variant Classification Sherloc (09022015). Collection method: clinical testing. Allele origin: germline.

Color Diagnostics, LLC DBA Color Health
Classification: Likely benign for Hereditary cancer-predisposing syndrome. Last evaluated: 2017-03-02. Review status: criteria provided, single submitter. Criteria: ACMG Guidelines, 2015. Collection method: clinical testing. Allele origin: germline.

GeneDx
Classification: Likely benign. Last evaluated: 2016-07-05. Review status: criteria provided, single submitter. Criteria: GeneDx Variant Classification (06012015). Collection method: clinical testing. Allele origin: germline. Affected: yes.
Comment: This variant is considered likely benign or benign based on one or more of the following criteria: it is a conservative change, it occurs at a poorly conserved position in the protein, it is predicted to be benign by multiple in silico algorithms, and/or has population frequency not consistent with disease.